The following is an entry in ClinVar:

NM_024312.5(GNPTAB):c.3641_3646del (p.Cys1214_Val1215del)

Gene: GNPTAB (N-acetylglucosamine-1-phosphate transferase subunits alpha and beta; minus strand). Cytogenetic location: 12q23.2.
Variant type: Deletion.
Coding change: c.3641_3646del on transcript NM_024312.5 (MANE Select); coding-DNA positions 3641 to 3646, 6 bases deleted (GTGTAC; older notation c.3641_3646delGTGTAC).
Protein change: p.Cys1214_Val1215del.
Molecular consequence: inframe deletion.
Genome position (GRCh38, 1-based): chr12:101,749,148-101,749,153, GTACAC deleted on the plus strand (GTGTAC on the coding strand, the reverse complement: GNPTAB is on the minus strand). VCF-style (leftmost placement, unchanged base first): chr12-101749147-AGTACAC-A. GRCh37 (hg19) VCF-style: chr12-102142925-AGTACAC-A.
Identifiers: ClinVar variation 2020692 (VCV002020692.4), dbSNP rs2547948084, ClinGen allele CA2580085658.

ClinVar aggregate classification (germline): Uncertain significance (1 of 4 stars; one submission).

Conditions:
Pseudo-Hurler polydystrophy. Also called: MUCOLIPIDOSIS IIIA; ML III; ML III ALPHA/BETA; Type III Mucolipidosis; ML IIIA; Mucolipidosis III Alpha/Beta. Identifiers: Orphanet 423461, Orphanet 577, MedGen C0033788, MONDO:0018931, OMIM 252600.
Mucolipidosis type II. Also called: Mucolipidosis II Alpha/Beta; ML II ALPHA/BETA; Mucolipidosis 2; ML 2; Inclusion cell disease; Leroy Disease. Identifiers: Orphanet 576, MedGen C2673377, MONDO:0009650, OMIM 252500.

Submission:

Labcorp Genetics (formerly Invitae), Labcorp
Classification: Uncertain significance for Pseudo-Hurler polydystrophy; Mucolipidosis type II. Last evaluated: 2022-07-30. Review status: criteria provided, single submitter. Criteria: Invitae Variant Classification Sherloc (09022015). Collection method: clinical testing. Allele origin: germline.
Comment: This variant, c.3641_3646del, results in the deletion of 2 amino acid(s) of the GNPTAB protein (p.Cys1214_Val1215del), but otherwise preserves the integrity of the reading frame. In summary, the available evidence is currently insufficient to determine the role of this variant in disease. Therefore, it has been classified as a Variant of Uncertain Significance. Experimental studies and prediction algorithms are not available or were not evaluated, and the functional significance of this variant is currently unknown. This variant has not been reported in the literature in individuals affected with GNPTAB-related conditions. This variant is not present in population databases (gnomAD no frequency).